The following is an entry in ClinVar:

NM_001367624.2(ZNF469):c.1385T>C (p.Met462Thr)

Gene: ZNF469 (zinc finger protein 469; plus strand). Cytogenetic location: 16q24.2.
Variant type: single nucleotide variant.
Coding change: c.1385T>C on transcript NM_001367624.2 (MANE Select); coding-DNA position 1385, T replaced by C.
Protein change: p.Met462Thr; replaces methionine 462 with threonine.
Molecular consequence: missense variant.
Genome position (GRCh38, 1-based): chr16:88,428,855, T>C. VCF-style: chr16-88428855-T-C. GRCh37 (hg19) VCF-style: chr16-88495263-T-C.
Other names: short protein forms M462T.
Identifiers: ClinVar variation 4848130 (VCV004848130.1).

ClinVar aggregate classification (germline): Uncertain significance (1 of 4 stars; one submission).

gnomAD v4.1: 11 of 1,548,560 alleles (0.00071%); highest among the groups gnomAD compares: Non-Finnish European, 0.00096%; no homozygotes.

Submission:

Women's Health and Genetics/Laboratory Corporation of America, LabCorp
Classification: Uncertain significance. Last evaluated: 2026-02-02. Review status: criteria provided, single submitter. Criteria: LabCorp Variant Classification Summary - May 2015. Collection method: clinical testing. Allele origin: germline.
Comment: Variant summary: ZNF469 c.1385T>C (p.Met462Thr) results in a non-conservative amino acid change in the encoded protein sequence. Algorithms developed to predict the effect of missense changes on protein structure and function are either unavailable or do not agree on the potential impact of this missense change. The variant allele was found at a frequency of 6.8e-06 in 146650 control chromosomes. The available data on variant occurrences in the general population are insufficient to allow any conclusion about variant significance. To our knowledge, no occurrence of c.1385T>C in individuals affected with ZNF469-related conditions and no experimental evidence demonstrating its impact on protein function have been reported. No submitters have cited clinical-significance assessments for this variant to ClinVar. Based on the evidence outlined above, the variant was classified as uncertain significance.